The following is an entry in ClinVar:

NM_018834.6(MATR3):c.974+20T>G

Gene: MATR3 (matrin 3; plus strand). Cytogenetic location: 5q31.2.
Variant type: single nucleotide variant.
Coding change: c.974+20T>G on transcript NM_018834.6 (MANE Select); 20 bases into the intron after coding-DNA position 974, T replaced by G.
Molecular consequence: intron variant.
Genome position (GRCh38, 1-based): chr5:139,314,756, T>G. VCF-style: chr5-139314756-T-G. GRCh37 (hg19) VCF-style: chr5-138650445-T-G.
Other names: c.974+20T>G (NM_001400447.1, NM_001400443.1, NM_001400453.1 and 16 more transcripts); c.74+20T>G (NM_001400461.1); c.-41+20T>G (NM_001400465.1, NM_001400466.1, NM_001400463.1 and 3 more transcripts); c.-40-941T>G (NM_001400467.1, NM_001400462.1); c.110+20T>G (NM_001194956.2); c.113+20T>G (NM_001400459.1).
Identifiers: ClinVar variation 4732154 (VCV004732154.1).

ClinVar aggregate classification (germline): Uncertain significance (1 of 4 stars; one submission).

Conditions:
Amyotrophic lateral sclerosis type 21. Also called: MYOPATHY, DISTAL, 2; VOCAL CORD AND PHARYNGEAL DYSFUNCTION WITH DISTAL MYOPATHY. Identifiers: Orphanet 600, Orphanet 803, MedGen C3807521, MONDO:0011632, OMIM 606070.

Submission:

Labcorp Genetics (formerly Invitae), Labcorp
Classification: Uncertain significance for Amyotrophic lateral sclerosis type 21. Last evaluated: 2025-11-27. Review status: criteria provided, single submitter. Criteria: Invitae Variant Classification Sherloc (09022015). Collection method: clinical testing. Allele origin: germline.
Comment: This sequence change falls in intron 6 of the MATR3 gene. It does not directly change the encoded amino acid sequence of the MATR3 protein. This variant is not present in population databases (gnomAD no frequency). This variant has not been reported in the literature in individuals affected with MATR3-related conditions. Algorithms developed to predict the effect of sequence changes on RNA splicing suggest that this variant may disrupt the consensus splice site. In summary, the available evidence is currently insufficient to determine the role of this variant in disease. Therefore, it has been classified as a Variant of Uncertain Significance.